The following is an entry in ClinVar:

ClinVar aggregate classification (germline): Likely pathogenic (1 of 4 stars; one submission).

Conditions:
Mitochondrial complex I deficiency, nuclear type 4. Also called: Mitochondrial complex 1 deficiency, nuclear type 4. Identifiers: MedGen C4748753, MONDO:0032609, OMIM 618225.

Allele frequency attached by ClinVar (database versions not stated): gnomAD exomes 0.00001.
gnomAD v4.1: 4 of 1,613,762 alleles (0.00025%); highest among the groups gnomAD compares: Admixed American, 0.005%; no homozygotes.

Submission:

3billion
Classification: Likely pathogenic for Mitochondrial complex I deficiency, nuclear type 4. Last evaluated: 2022-09-01. Review status: criteria provided, single submitter. Criteria: ACMG Guidelines, 2015. Collection method: clinical testing. Allele origin: germline. Affected: yes. Observed: 1 heterozygote.
Comment: The variant is not observed in the gnomAD v2.1.1 dataset. Missense changes are a common disease-causing mechanism. The variant was found to in trans with other pathogenic variant (3billion dataset). In silico tool predictions suggest damaging effect of the variant on gene or gene product (REVEL: 0.97; 3Cnet: 0.84). Therefore, this variant is classified as Likely pathogenic according to the recommendation of ACMG/AMP guideline.

NM_007103.4(NDUFV1):c.1163G>A (p.Gly388Asp)

Genes: NDUFV1 (NADH:ubiquinone oxidoreductase core subunit V1; plus strand), LOC126861242 (CDK7 strongly-dependent group 2 enhancer GRCh37_chr11:67379204-67380403; plus strand). Cytogenetic location: 11q13.2.
Variant type: single nucleotide variant.
Coding change: c.1163G>A on transcript NM_007103.4 (MANE Select); coding-DNA position 1163, G replaced by A.
Protein change: p.Gly388Asp; replaces glycine 388 with aspartic acid.
Molecular consequence: missense variant.
Genome position (GRCh38, 1-based): chr11:67,612,120, G>A. VCF-style: chr11-67612120-G-A. GRCh37 (hg19) VCF-style: chr11-67379591-G-A.
Other names: c.1136G>A, p.Gly379Asp (NM_001166102.2); short protein forms G379D, G388D.
Identifiers: ClinVar variation 1705562 (VCV001705562.1), dbSNP rs2495726355, ClinGen allele CA381542098.
Genomic context (GRCh38, chr11:67,612,120, plus strand): 5'-CGCCGCCCCACATCCTGGCTGGGGAGATCATCAGGCCCTCTCTTGTGGCTGTGGCTGCAG[G>A]TGTGGACTGGATGAACAAGGTGATGGCACGTTTCGTGAGGGGGGATGCCCGGCCGGCCGA-3'
Protein context (NP_009034.2, residues 378-398): SCGQCTPCRE[Gly388Asp]VDWMNKVMAR